The following is an entry in ClinVar:

ClinVar aggregate classification (germline): Uncertain significance (1 of 4 stars; one submission).

Conditions:
Inborn genetic diseases. Identifiers: MedGen C0950123, MeSH D030342.

Submission:

Ambry Genetics
Classification: Uncertain significance for Inborn genetic diseases. Last evaluated: 2026-07-28. Review status: criteria provided, single submitter. Criteria: Ambry Variant Classification Scheme 2023. Collection method: clinical testing. Allele origin: germline.
Comment: The p.H968D variant (also known as c.2902C>G), located in coding exon 22 of the BUB1B gene, results from a C to G substitution at nucleotide position 2902. The histidine at codon 968 is replaced by aspartic acid, an amino acid with similar properties. This amino acid position is conserved. In addition, the in silico prediction for this alteration is inconclusive. Based on the available evidence, the clinical significance of this variant remains unclear.

NM_001211.6(BUB1B):c.2902C>G (p.His968Asp)

Genes: BUB1B (BUB1 mitotic checkpoint serine/threonine kinase B; plus strand), BUB1B-PAK6 (BUB1B-PAK6 readthrough; plus strand). Cytogenetic location: 15q15.1.
Variant type: single nucleotide variant.
Coding change: c.2902C>G on transcript NM_001211.6 (MANE Select); coding-DNA position 2902, C replaced by G.
Protein change: p.His968Asp; replaces histidine 968 with aspartic acid.
Molecular consequence: missense variant. On other transcripts: intron variant (2).
Genome position (GRCh38, 1-based): chr15:40,218,507, C>G. VCF-style: chr15-40218507-C-G. GRCh37 (hg19) VCF-style: chr15-40510708-C-G.
Other names: c.-201+840C>G (NM_001128628.3); c.-118+840C>G (NM_001128629.3); short protein forms H968D.
Identifiers: ClinVar variation 5033524 (VCV005033524.1).
Genomic context (GRCh38, chr15:40,218,507, plus strand): 5'-TGATTTCAGGTAGACCTGTTTGGTATAGCAGATTTAGCACATTTACTATTGTTCAAGGAA[C>G]ACCTACAGGTCTTCTGGGATGGGTCCTTCTGGAAACTTAGCCAAAATATTTCTGAGTAAG-3'
Protein context (NP_001202.5, residues 958-978): DLAHLLLFKE[His968Asp]LQVFWDGSFW